The following is an entry in ClinVar:

NM_144997.7(FLCN):c.249+2del

Gene: FLCN (folliculin; minus strand). Cytogenetic location: 17p11.2.
Variant type: Deletion.
Coding change: c.249+2del on transcript NM_144997.7 (MANE Select); the canonical splice donor site of the intron after coding-DNA position 249, one base deleted (C; older notation c.249+2delC).
Molecular consequence: splice donor variant.
Genome position (GRCh38, 1-based): chr17:17,227,887, G deleted on the plus strand (C on the coding strand, the reverse complement: FLCN is on the minus strand). VCF-style (leftmost placement, unchanged base first): chr17-17227886-TG-T. GRCh37 (hg19) VCF-style: chr17-17131200-TG-T.
Other names: c.249+2del (NM_001353231.2, NM_001353230.2, NM_001353229.2 and 1 more transcripts).
Identifiers: ClinVar variation 2704349 (VCV002704349.3), dbSNP rs2544304367, ClinGen allele CA2697559511.
Genomic context (GRCh38, chr17:17,227,886, plus strand): 5'-GTCCTCCTGTCCATCCCACACCTACTGCAGGGATCACAAAACCAAGACCCCAAAGACACT[TG>T]CCTCGCACATGTCCGACTTTTTGGGCCCCGGGCTGCTGGACTCGACGCTGGCCCCCTCTG-3'

ClinVar aggregate classification (germline): Likely pathogenic (1 of 4 stars; one submission).

Conditions:
Birt-Hogg-Dube syndrome. Also called: Birt Hogg Dubé syndrome. Identifiers: Orphanet 122, MedGen C0346010, MONDO:0800444.

Submission:

Labcorp Genetics (formerly Invitae), Labcorp
Classification: Likely pathogenic for Birt-Hogg-Dube syndrome. Last evaluated: 2023-12-19. Review status: criteria provided, single submitter. Criteria: Invitae Variant Classification Sherloc (09022015). Collection method: clinical testing. Allele origin: germline.
Comment: This sequence change affects a splice site in intron 4 of the FLCN gene. It is expected to disrupt RNA splicing. Variants that disrupt the donor or acceptor splice site typically lead to a loss of protein function (PMID: 16199547), and loss-of-function variants in FLCN are known to be pathogenic (PMID: 15852235). This variant is not present in population databases (gnomAD no frequency). Disruption of this splice site has been observed in individual(s) with Birt-Hogg-Dubé syndrome (PMID: 28558743). Algorithms developed to predict the effect of sequence changes on RNA splicing suggest that this variant may disrupt the consensus splice site. In summary, the currently available evidence indicates that the variant is pathogenic, but additional data are needed to prove that conclusively. Therefore, this variant has been classified as Likely Pathogenic.

Literature cited by the submitters: PubMed 16199547; PubMed 15852235; PubMed 28558743.